The following is an entry in ClinVar:

ClinVar aggregate classification (germline): Uncertain significance (1 of 4 stars; one submission).

Conditions:
Inborn genetic diseases. Identifiers: MedGen C0950123, MeSH D030342.

Allele frequency attached by ClinVar (database versions not stated): gnomAD exomes below 0.00001.
gnomAD v4.1: 1 of 1,613,844 alleles (0.000062%); highest among the groups gnomAD compares: Non-Finnish European, 0.000085%; no homozygotes.

Submission:

Ambry Genetics
Classification: Uncertain significance for Inborn genetic diseases. Last evaluated: 2021-09-04. Review status: criteria provided, single submitter. Criteria: Ambry Variant Classification Scheme 2023. Collection method: clinical testing. Allele origin: germline.
Comment: The p.L1921F variant (also known as c.5761C>T), located in coding exon 40 of the LRRK2 gene, results from a C to T substitution at nucleotide position 5761. The leucine at codon 1921 is replaced by phenylalanine, an amino acid with highly similar properties. This amino acid position is conserved. In addition, the in silico prediction for this alteration is inconclusive. Since supporting evidence is limited at this time, the clinical significance of this alteration remains unclear.

NM_198578.4(LRRK2):c.5761C>T (p.Leu1921Phe)

Gene: LRRK2 (leucine rich repeat kinase 2; plus strand). Cytogenetic location: 12q12.
Variant type: single nucleotide variant.
Coding change: c.5761C>T on transcript NM_198578.4 (MANE Select); coding-DNA position 5761, C replaced by T.
Protein change: p.Leu1921Phe; replaces leucine 1921 with phenylalanine.
Molecular consequence: missense variant.
Genome position (GRCh38, 1-based): chr12:40,334,970, C>T. VCF-style: chr12-40334970-C-T. GRCh37 (hg19) VCF-style: chr12-40728772-C-T.
Other names: short protein forms L1921F.
Identifiers: ClinVar variation 1749490 (VCV001749490.2), dbSNP rs2499929969, ClinGen allele CA384401833.